The following is an entry in ClinVar:

NM_174936.4(PCSK9):c.854T>C (p.Val285Ala)

Gene: PCSK9 (proprotein convertase subtilisin/kexin type 9; plus strand). Cytogenetic location: 1p32.3.
Variant type: single nucleotide variant.
Coding change: c.854T>C on transcript NM_174936.4 (MANE Select); coding-DNA position 854, T replaced by C.
Protein change: p.Val285Ala; replaces valine 285 with alanine.
Molecular consequence: missense variant.
Genome position (GRCh38, 1-based): chr1:55,056,047, T>C. VCF-style: chr1-55056047-T-C. GRCh37 (hg19) VCF-style: chr1-55521720-T-C.
Other names: c.977T>C, p.Val326Ala (NM_001407240.1); c.854T>C, p.Val285Ala (NM_001407241.1, NM_001407244.1, NM_001407247.1); c.857T>C, p.Val286Ala (NM_001407242.1); c.797T>C, p.Val266Ala (NM_001407243.1); c.662T>C, p.Val221Ala (NM_001407245.1); c.479T>C, p.Val160Ala (NM_001407246.1); short protein forms V160A, V221A, V266A, V285A, V286A, V326A.
Identifiers: ClinVar variation 1763823 (VCV001763823.5), dbSNP rs894672817, ClinGen allele CA22762690.

ClinVar aggregate classification (germline): Uncertain significance. Review status: criteria provided, multiple submitters, no conflicts (2 of 4 stars). 3 submissions from 3 submitters: Uncertain significance (3). Last evaluated 2025-07-24.

Conditions:
Cardiovascular phenotype. Identifiers: MedGen CN230736.
Hypercholesterolemia, autosomal dominant, 3 (FHCL3). Also called: Familial Hypercholesterolemia, Autosomal Dominant, 3; PCSK9-Related Familial Hypercholesterolemia, Autosomal Dominant; Familial hypercholesterolemia 3. Identifiers: MedGen C1863551, MONDO:0011369, OMIM 603776.

Allele frequency attached by ClinVar (database versions not stated): gnomAD exomes 0.00001; gnomAD 0.00003; TOPMed 0.00003.
gnomAD v4.1: 12 of 1,609,296 alleles (0.00075%); highest among the groups gnomAD compares: African/African-American, 0.016%; no homozygotes.

Submissions (3):

Ambry Genetics
Classification: Uncertain significance for Cardiovascular phenotype. Last evaluated: 2025-07-24. Review status: criteria provided, single submitter. Criteria: Ambry Variant Classification Scheme 2023. Collection method: clinical testing. Allele origin: germline.
Comment: The p.V285A variant (also known as c.854T>C), located in coding exon 6 of the PCSK9 gene, results from a T to C substitution at nucleotide position 854. The valine at codon 285 is replaced by alanine, an amino acid with similar properties. This amino acid position is conserved. In addition, the in silico prediction for this alteration is inconclusive. Since supporting evidence is limited at this time, the clinical significance of this alteration remains unclear.

GeneDx
Classification: Uncertain significance. Last evaluated: 2025-05-28. Review status: criteria provided, single submitter. Criteria: GeneDx Variant Classification Process June 2021. Collection method: clinical testing. Allele origin: germline. Affected: yes.
Comment: Not observed at significant frequency in large population cohorts (gnomAD); In silico analysis suggests that this missense variant does not alter protein structure/function; Has not been previously published as pathogenic or benign to our knowledge

All of Us Research Program, National Institutes of Health
Classification: Uncertain significance for Hypercholesterolemia, autosomal dominant, 3. Last evaluated: 2023-12-18. Review status: criteria provided, single submitter. Criteria: ACMG Guidelines, 2015. Collection method: clinical testing. Allele origin: germline. Inheritance: Autosomal dominant inheritance. Observed: 4 variant alleles, 4 heterozygotes.
Comment: This missense variant replaces valine with alanine at codon 285 of the PCSK9 protein. Computational prediction suggests that this variant may not impact protein structure and function (internally defined REVEL score threshold <= 0.5, PMID: 27666373). To our knowledge, functional studies have not been reported for this variant. This variant has not been reported in individuals affected with PCSK9-related disorders in the literature. This variant has been identified in 4/273338 chromosomes in the general population by the Genome Aggregation Database (gnomAD). The available evidence is insufficient to determine the role of this variant in disease conclusively. Therefore, this variant is classified as a Variant of Uncertain Significance.

This study involves interpretation of variants in research participants for the purpose of population health screening. Participant phenotype was not available at the time of variant classification. Additional details can be found in publication PMID: 35346344, PMCID: PMC8962531